The following is an entry in ClinVar:

ClinVar aggregate classification (germline): Uncertain significance (1 of 4 stars; one submission).

Submission:

Ambry Genetics
Classification: Uncertain significance. Last evaluated: 2025-10-30. Review status: criteria provided, single submitter. Criteria: Ambry Variant Classification Scheme 2023. Collection method: clinical testing. Allele origin: germline.
Comment: The p.A361G variant (also known as c.1082C>G), located in coding exon 2 of the CDK12 gene, results from a C to G substitution at nucleotide position 1082. The alanine at codon 361 is replaced by glycine, an amino acid with similar properties. This amino acid position is conserved. In addition, this alteration is predicted to be tolerated by in silico analysis. Based on the available evidence, the clinical significance of this variant remains unclear.

NM_016507.4(CDK12):c.1082C>G (p.Ala361Gly)

Gene: CDK12 (cyclin dependent kinase 12; plus strand). Cytogenetic location: 17q12.
Variant type: single nucleotide variant.
Coding change: c.1082C>G on transcript NM_016507.4 (MANE Select); coding-DNA position 1082, C replaced by G.
Protein change: p.Ala361Gly; replaces alanine 361 with glycine.
Molecular consequence: missense variant.
Genome position (GRCh38, 1-based): chr17:39,470,914, C>G. VCF-style: chr17-39470914-C-G. GRCh37 (hg19) VCF-style: chr17-37627167-C-G.
Other names: c.1082C>G, p.Ala361Gly (NM_015083.4); short protein forms A361G.
Identifiers: ClinVar variation 4651415 (VCV004651415.1).